The following is an entry in ClinVar:

NM_002693.3(POLG):c.1510AAG[1] (p.Lys505del)

Gene: POLG (DNA polymerase gamma, catalytic subunit; minus strand). Cytogenetic location: 15q26.1.
Variant type: Microsatellite.
Coding change: c.1510AAG[1] on transcript NM_002693.3 (MANE Select); one copy of the 3-base unit AAG starting at c.1510; the reference has two copies in a row; one copy, 3 bases deleted; also written c.1513_1515del.
Protein change: p.Lys505del; deletes lysine 505.
Molecular consequence: inframe deletion. On other transcripts: inframe indel (2).
Genome position (GRCh38, 1-based): chr15:89,326,982-89,326,984, CTT deleted on the plus strand (AAG on the coding strand, the reverse complement: POLG is on the minus strand); deleting any 3 consecutive bases within chr15:89,326,982-89,326,988 gives the same sequence; the position shown is the placement nearest the transcript's 3' end. VCF-style (leftmost placement, unchanged base first): chr15-89326981-CCTT-C. GRCh37 (hg19) VCF-style: chr15-89870212-CCTT-C.
Other names: c.1510AAG[1], p.Lys505del (NM_001126131.2); c.1509_1511GAA[1], p.Lys505del (NM_002693.2); c.1513_1515del (NM_002693.2); short protein forms K505del.
Identifiers: ClinVar variation 3369489 (VCV003369489.3).

ClinVar aggregate classification (germline): Uncertain significance. Review status: criteria provided, multiple submitters, no conflicts (2 of 4 stars). 2 submissions from 2 submitters: Uncertain significance (2). Last evaluated 2024-10-02.

Conditions:
Progressive sclerosing poliodystrophy (MTDPS4A). Also called: Mitochondrial DNA Depletion Syndrome 4A; ALPERS PROGRESSIVE INFANTILE POLIODYSTROPHY; NEURONAL DEGENERATION OF CHILDHOOD WITH LIVER DISEASE, PROGRESSIVE; Alpers Syndrome; ALPERS DIFFUSE DEGENERATION OF CEREBRAL GRAY MATTER WITH HEPATIC CIRRHOSIS; Alpers-Huttenlocher Syndrome. Identifiers: Orphanet 726, MedGen C0205710, MONDO:0008758, OMIM 203700.

Submissions (2):

Labcorp Genetics (formerly Invitae), Labcorp
Classification: Uncertain significance for Progressive sclerosing poliodystrophy. Last evaluated: 2024-10-02. Review status: criteria provided, single submitter. Criteria: Invitae Variant Classification Sherloc (09022015). Collection method: clinical testing. Allele origin: germline.
Comment: This variant, c.1513_1515del, results in the deletion of 1 amino acid(s) of the POLG protein (p.Lys505del), but otherwise preserves the integrity of the reading frame. This variant is not present in population databases (gnomAD no frequency). This variant has not been reported in the literature in individuals affected with POLG-related conditions. Experimental studies and prediction algorithms are not available or were not evaluated, and the functional significance of this variant is currently unknown. In summary, the available evidence is currently insufficient to determine the role of this variant in disease. Therefore, it has been classified as a Variant of Uncertain Significance.

GeneDx
Classification: Uncertain significance. Last evaluated: 2024-03-06. Review status: criteria provided, single submitter. Criteria: GeneDx Variant Classification Process June 2021. Collection method: clinical testing. Allele origin: germline. Affected: yes.
Comment: In-frame deletion of 1 amino acid in a non-repeat region; Not observed at significant frequency in large population cohorts (gnomAD); In silico analysis supports a deleterious effect on protein structure/function; Has not been previously published as pathogenic or benign to our knowledge